The following is an entry in ClinVar:

NM_002858.4(ABCD3):c.1274C>T (p.Pro425Leu)

Gene: ABCD3 (ATP binding cassette subfamily D member 3; plus strand). Cytogenetic location: 1p21.3.
Variant type: single nucleotide variant.
Coding change: c.1274C>T on transcript NM_002858.4 (MANE Select); coding-DNA position 1274, C replaced by T.
Protein change: p.Pro425Leu; replaces proline 425 with leucine.
Molecular consequence: missense variant.
Genome position (GRCh38, 1-based): chr1:94,489,927, C>T. VCF-style: chr1-94489927-C-T. GRCh37 (hg19) VCF-style: chr1-94955483-C-T.
Other names: short protein forms P425L.
Identifiers: ClinVar variation 2514650 (VCV002514650.5), dbSNP rs148848670, ClinGen allele CA960383.
Genomic context (GRCh38, chr1:94,489,927, plus strand): 5'-ATAATATGATGCTTTAATACCTATTTTCCATTTAAGGTATTGAAGGAGTACAAGTCATTC[C>T]CTTGATACCTGGTGCTGGAGAAATCATTATTGCAGATAACATTATAAAGTACGTACAGAA-3'
Protein context (NP_002849.1, residues 415-435): EKGIEGVQVI[Pro425Leu]LIPGAGEIII

ClinVar aggregate classification (germline): Uncertain significance. Review status: criteria provided, multiple submitters, no conflicts (2 of 4 stars). 2 submissions from 2 submitters: Uncertain significance (2). Last evaluated 2025-10-09.

Allele frequency attached by ClinVar (database versions not stated): ExAC 0.00014; ESP Exome Variant Server 0.00008; gnomAD 0.00015; TOPMed 0.00019.
gnomAD v4.1: 141 of 1,612,908 alleles (0.0087%); highest among the groups gnomAD compares: Admixed American, 0.058%; 1 homozygote.

Submissions (2):

Labcorp Genetics (formerly Invitae), Labcorp
Classification: Uncertain significance. Last evaluated: 2025-10-09. Review status: criteria provided, single submitter. Criteria: Invitae Variant Classification Sherloc (09022015). Collection method: clinical testing. Allele origin: germline.
Comment: This sequence change replaces proline, which is neutral and non-polar, with leucine, which is neutral and non-polar, at codon 425 of the ABCD3 protein (p.Pro425Leu). This variant is present in population databases (rs148848670, gnomAD 0.07%), and has an allele count higher than expected for a pathogenic variant. This variant has not been reported in the literature in individuals affected with ABCD3-related conditions. ClinVar contains an entry for this variant (Variation ID: 2514650). An algorithm developed to predict the effect of missense changes on protein structure and function (PolyPhen-2) suggests that this variant is likely to be tolerated. In summary, the available evidence is currently insufficient to determine the role of this variant in disease. Therefore, it has been classified as a Variant of Uncertain Significance.

Ambry Genetics
Classification: Uncertain significance. Last evaluated: 2025-06-16. Review status: criteria provided, single submitter. Criteria: Ambry Variant Classification Scheme 2023. Collection method: clinical testing. Allele origin: germline.